The following is an entry in ClinVar:

ClinVar aggregate classification (germline): Uncertain significance (1 of 4 stars; one submission).

gnomAD v4.1: 4 of 1,614,158 alleles (0.00025%); highest among the groups gnomAD compares: Non-Finnish European, 0.00034%; no homozygotes.

Submission:

CeGaT Center for Human Genetics Tuebingen
Classification: Uncertain significance. Last evaluated: 2025-12-01. Review status: criteria provided, single submitter. Criteria: CeGaT Center For Human Genetics Tuebingen Variant Classification Criteria Version 2. Collection method: clinical testing. Allele origin: germline. Affected: yes. Observed: 1 variant allele.
Comment: SLIT3: PM2

NM_003062.4(SLIT3):c.2818C>T (p.Arg940Cys)

Genes: SLIT3 (slit guidance ligand 3; minus strand), SLIT3-AS2 (SLIT3 antisense RNA 2; plus strand). Cytogenetic location: 5q34.
Variant type: single nucleotide variant.
Coding change: c.2818C>T on transcript NM_003062.4 (MANE Select); coding-DNA position 2818, C replaced by T.
Protein change: p.Arg940Cys; replaces arginine 940 with cysteine.
Molecular consequence: missense variant.
Genome position (GRCh38, 1-based): chr5:168,708,002, G>A on the plus strand (C>T on the coding strand, the complement: SLIT3 is on the minus strand). VCF-style: chr5-168708002-G-A. GRCh37 (hg19) VCF-style: chr5-168135007-G-A.
Other names: c.2839C>T, p.Arg947Cys (NM_001271946.2); short protein forms R940C, R947C.
Identifiers: ClinVar variation 4681700 (VCV004681700.5).